The following is an entry in ClinVar:

ClinVar aggregate classification (germline): Likely benign. Review status: criteria provided, multiple submitters, no conflicts (2 of 4 stars). 2 submissions from 2 submitters: Likely benign (2). Last evaluated 2025-02-09.

Conditions:
RYR1-related disorder. Also called: RYR1-related condition; RYR1-related disorders. Identifiers: MedGen CN239331.
Malignant hyperthermia, susceptibility to, 1 (MHS1). Also called: Anesthesia related hyperthermia; Malignant hyperpyrexia; Fulminating hyperpyrexia; Pharmacogenic myopathy; RYR1-Related Malignant Hyperthermia Susceptibility; Malignant hyperthermia suceptibility 1. Identifiers: Orphanet 423, MedGen C2930980, MONDO:0007783, OMIM 145600.

Allele frequency attached by ClinVar (database versions not stated): gnomAD exomes below 0.00001.
gnomAD v4.1: 1 of 1,603,350 alleles (0.000062%); highest among the groups gnomAD compares: Non-Finnish European, 0.000085%; no homozygotes.

Submissions (2):

Labcorp Genetics (formerly Invitae), Labcorp
Classification: Likely benign for RYR1-related disorder. Last evaluated: 2025-02-09. Review status: criteria provided, single submitter. Criteria: Invitae Variant Classification Sherloc (09022015). Collection method: clinical testing. Allele origin: germline.

All of Us Research Program, National Institutes of Health
Classification: Likely benign for Malignant hyperthermia, susceptibility to, 1. Last evaluated: 2023-11-30. Review status: criteria provided, single submitter. Criteria: ACMG Guidelines, 2015. Collection method: clinical testing. Allele origin: germline. Inheritance: Autosomal dominant inheritance. Observed: 2 variant alleles, 2 heterozygotes.
Comment: This study involves interpretation of variants in research participants for the purpose of population health screening. Participant phenotype was not available at the time of variant classification. Additional details can be found in publication PMID: 35346344, PMCID: PMC8962531

NM_000540.3(RYR1):c.13438-5C>T

Gene: RYR1 (ryanodine receptor 1; plus strand). Cytogenetic location: 19q13.2.
Variant type: single nucleotide variant.
Coding change: c.13438-5C>T on transcript NM_000540.3 (MANE Select); 5 bases into the intron before coding-DNA position 13438, C replaced by T.
Molecular consequence: intron variant.
Genome position (GRCh38, 1-based): chr19:38,566,906, C>T. VCF-style: chr19-38566906-C-T. GRCh37 (hg19) VCF-style: chr19-39057546-C-T.
Other names: c.13423-5C>T (NM_001042723.2).
Identifiers: ClinVar variation 2991580 (VCV002991580.4), dbSNP rs2514689326, ClinGen allele CA2584909499.